The following is an entry in ClinVar:

NM_024426.6(WT1):c.446C>G (p.Pro149Arg)

Genes: WT1 (WT1 transcription factor; minus strand), LOC107982234 (WT1/WT1-AS bi-directional promoter region; plus strand). Cytogenetic location: 11p13.
Variant type: single nucleotide variant.
Coding change: c.446C>G on transcript NM_024426.6 (MANE Select); coding-DNA position 446, C replaced by G.
Protein change: p.Pro149Arg; replaces proline 149 with arginine.
Molecular consequence: missense variant. On other transcripts: non-coding transcript variant (1).
Genome position (GRCh38, 1-based): chr11:32,434,915, G>C on the plus strand (C>G on the coding strand, the complement: WT1 is on the minus strand). VCF-style: chr11-32434915-G-C. GRCh37 (hg19) VCF-style: chr11-32456461-G-C.
Other names: c.446C>G, p.Pro149Arg (NM_000378.6, NM_024424.5); c.431C>G (NM_024426.4); short protein forms P149R.
Identifiers: ClinVar variation 1025295 (VCV001025295.10), dbSNP rs1853447771, ClinGen allele CA379965071.

ClinVar aggregate classification (germline): Uncertain significance. Review status: criteria provided, multiple submitters, no conflicts (2 of 4 stars). 2 submissions from 2 submitters: Uncertain significance (2). Last evaluated 2025-09-15.

Conditions:
Frasier syndrome. Identifiers: Orphanet 347, MedGen C0950122, MeSH D052159, MONDO:0007635, OMIM 136680.
Drash syndrome (DDS). Also called: NEPHROPATHY, WILMS TUMOR, AND GENITAL ANOMALIES; WILMS TUMOR AND PSEUDO- OR TRUE HERMAPHRODITISM. Identifiers: Orphanet 220, MedGen C0950121, MONDO:0008682, OMIM 194080.
Wilms tumor 1 (WT1). Also called: Wilms tumor, somatic. Identifiers: Orphanet 654, MedGen CN033288, MONDO:0008679, OMIM 194070.
11p partial monosomy syndrome (WAGR). Also called: WAGR syndrome; WAGR Complex; WAGR Spectrum Disorder; CHROMOSOME 11p13 DELETION SYNDROME. Identifiers: Orphanet 893, MedGen C0206115, MONDO:0008681, OMIM 194072.
Inborn genetic diseases. Identifiers: MedGen C0950123, MeSH D030342.

Allele frequency attached by ClinVar (database versions not stated): gnomAD exomes below 0.00001.
gnomAD v4.1: 3 of 1,608,808 alleles (0.00019%); highest among the groups gnomAD compares: East Asian, 0.0022%; no homozygotes.

Submissions (2):

Ambry Genetics
Classification: Uncertain significance for Inborn genetic diseases. Last evaluated: 2025-09-15. Review status: criteria provided, single submitter. Criteria: Ambry Variant Classification Scheme 2023. Collection method: clinical testing. Allele origin: germline.
Comment: The p.P144R variant (also known as c.431C>G), located in coding exon 1 of the WT1 gene, results from a C to G substitution at nucleotide position 431. The proline at codon 144 is replaced by arginine, an amino acid with dissimilar properties. This amino acid position is highly conserved in available vertebrate species. In addition, the in silico prediction for this alteration is inconclusive. Based on the available evidence, the clinical significance of this variant remains unclear.

Labcorp Genetics (formerly Invitae), Labcorp
Classification: Uncertain significance for Wilms tumor 1; Drash syndrome; 11p partial monosomy syndrome; Frasier syndrome. Last evaluated: 2023-04-25. Review status: criteria provided, single submitter. Criteria: Invitae Variant Classification Sherloc (09022015). Collection method: clinical testing. Allele origin: germline.
Comment: In summary, the available evidence is currently insufficient to determine the role of this variant in disease. Therefore, it has been classified as a Variant of Uncertain Significance. An algorithm developed to predict the effect of missense changes on protein structure and function (PolyPhen-2) suggests that this variant is likely to be disruptive. ClinVar contains an entry for this variant (Variation ID: 1025295). This variant has not been reported in the literature in individuals affected with WT1-related conditions. This variant is not present in population databases (gnomAD no frequency). This sequence change replaces proline, which is neutral and non-polar, with arginine, which is basic and polar, at codon 144 of the WT1 protein (p.Pro144Arg).